The following is an entry in ClinVar:

ClinVar aggregate classification (germline): Uncertain significance (1 of 4 stars; one submission).

Conditions:
Hereditary cancer-predisposing syndrome. Also called: Neoplastic Syndromes, Hereditary; Tumor predisposition; Hereditary Cancer Syndrome; Hereditary neoplastic syndrome. Identifiers: Orphanet 140162, MedGen C0027672, MeSH D009386, MONDO:0015356.

Submission:

Ambry Genetics
Classification: Uncertain significance for Hereditary cancer-predisposing syndrome. Last evaluated: 2021-06-15. Review status: criteria provided, single submitter. Criteria: Ambry Variant Classification Scheme 2023. Collection method: clinical testing. Allele origin: germline.
Comment: The p.S1343P variant (also known as c.4027T>C), located in coding exon 15 of the APC gene, results from a T to C substitution at nucleotide position 4027. The serine at codon 1343 is replaced by proline, an amino acid with similar properties. This amino acid position is not well conserved in available vertebrate species. In addition, in silico predictors for this gene do not accurately predict pathogenicity. Since supporting evidence is limited at this time, the clinical significance of this alteration remains unclear.

NM_000038.6(APC):c.4027T>C (p.Ser1343Pro)

Gene: APC (APC regulator of Wnt signaling pathway; plus strand). Cytogenetic location: 5q22.2.
Variant type: single nucleotide variant.
Coding change: c.4027T>C on transcript NM_000038.6 (MANE Select); coding-DNA position 4027, T replaced by C.
Protein change: p.Ser1343Pro; replaces serine 1343 with proline.
Molecular consequence: missense variant.
Genome position (GRCh38, 1-based): chr5:112,839,621, T>C. VCF-style: chr5-112839621-T-C. GRCh37 (hg19) VCF-style: chr5-112175318-T-C.
Other names: c.4027T>C, p.Ser1343Pro (NM_001127510.3, NM_001354895.2, NM_001407450.1); c.3973T>C, p.Ser1325Pro (NM_001127511.3); c.4081T>C, p.Ser1361Pro (NM_001354896.2, NM_001407447.1, NM_001407448.1 and 1 more transcripts); c.4057T>C, p.Ser1353Pro (NM_001354897.2); c.3952T>C, p.Ser1318Pro (NM_001354898.2); c.3943T>C, p.Ser1315Pro (NM_001354899.2); c.3904T>C, p.Ser1302Pro (NM_001354900.2); c.3850T>C, p.Ser1284Pro (NM_001354901.2, NM_001407453.1); and 11 more; short protein forms S1260P, S1336P, S959P, S1217P, S1325P, S1371P, S1284P, S1315P.
Identifiers: ClinVar variation 1737154 (VCV001737154.2), dbSNP rs2149904449, ClinGen allele CA16030159.